The following is an entry in ClinVar:

NM_000334.4(SCN4A):c.4169T>C (p.Met1390Thr)

Genes: GH-LCR (growth hormone locus control region; plus strand), SCN4A (sodium voltage-gated channel alpha subunit 4; minus strand). Cytogenetic location: 17q23.3.
Variant type: single nucleotide variant.
Coding change: c.4169T>C on transcript NM_000334.4 (MANE Select); coding-DNA position 4169, T replaced by C.
Protein change: p.Met1390Thr; replaces methionine 1390 with threonine.
Molecular consequence: missense variant.
Genome position (GRCh38, 1-based): chr17:63,942,945, A>G on the plus strand (T>C on the coding strand, the complement: SCN4A is on the minus strand). VCF-style: chr17-63942945-A-G. GRCh37 (hg19) VCF-style: chr17-62020305-A-G.
Other names: short protein forms M1390T.
Identifiers: ClinVar variation 4747008 (VCV004747008.1).

ClinVar aggregate classification (germline): Uncertain significance (1 of 4 stars; one submission).

Conditions:
Hyperkalemic periodic paralysis. Also called: Familial hyperkalemic periodic paralysis; Gamstorp disease. Identifiers: Orphanet 682, MedGen C0238357, MONDO:0008224, OMIM 170500, HP:0007215.

Submission:

Labcorp Genetics (formerly Invitae), Labcorp
Classification: Uncertain significance for Hyperkalemic periodic paralysis. Last evaluated: 2025-09-03. Review status: criteria provided, single submitter. Criteria: Invitae Variant Classification Sherloc (09022015). Collection method: clinical testing. Allele origin: germline.
Comment: This sequence change replaces methionine, which is neutral and non-polar, with threonine, which is neutral and polar, at codon 1390 of the SCN4A protein (p.Met1390Thr). This variant is not present in population databases (gnomAD no frequency). This variant has not been reported in the literature in individuals affected with SCN4A-related conditions. Invitae Evidence Modeling of protein sequence and biophysical properties (such as structural, functional, and spatial information, amino acid conservation, physicochemical variation, residue mobility, and thermodynamic stability) indicates that this missense variant is not expected to disrupt SCN4A protein function with a negative predictive value of 95%. In summary, the available evidence is currently insufficient to determine the role of this variant in disease. Therefore, it has been classified as a Variant of Uncertain Significance.